The following is an entry in ClinVar:

ClinVar aggregate classification (germline): Uncertain significance (1 of 4 stars; one submission).

gnomAD v4.1: 1 of 1,614,152 alleles (0.000062%); highest among the groups gnomAD compares: Non-Finnish European, 0.000085%; no homozygotes.

Submission:

Ambry Genetics
Classification: Uncertain significance. Last evaluated: 2026-01-13. Review status: criteria provided, single submitter. Criteria: Ambry Variant Classification Scheme 2023. Collection method: clinical testing. Allele origin: germline.
Comment: The p.Y319C variant (also known as c.956A>G), located in coding exon 1 of the CDK12 gene, results from an A to G substitution at nucleotide position 956. The tyrosine at codon 319 is replaced by cysteine, an amino acid with highly dissimilar properties. This amino acid position is conserved. In addition, the in silico prediction for this alteration is inconclusive. Based on the available evidence, the clinical significance of this variant remains unclear.

NM_016507.4(CDK12):c.956A>G (p.Tyr319Cys)

Genes: CDK12 (cyclin dependent kinase 12; plus strand), LOC126862553 (CDK7 strongly-dependent group 2 enhancer GRCh37_chr17:37618166-37619365; plus strand). Cytogenetic location: 17q12.
Variant type: single nucleotide variant.
Coding change: c.956A>G on transcript NM_016507.4 (MANE Select); coding-DNA position 956, A replaced by G.
Protein change: p.Tyr319Cys; replaces tyrosine 319 with cysteine.
Molecular consequence: missense variant.
Genome position (GRCh38, 1-based): chr17:39,463,027, A>G. VCF-style: chr17-39463027-A-G. GRCh37 (hg19) VCF-style: chr17-37619280-A-G.
Other names: c.956A>G, p.Tyr319Cys (NM_015083.4); short protein forms Y319C.
Identifiers: ClinVar variation 4841706 (VCV004841706.1).